The following is an entry in ClinVar:

NM_144687.4(NLRP12):c.2037dup (p.Cys680fs)

Gene: NLRP12 (NLR family pyrin domain containing 12; minus strand). Cytogenetic location: 19q13.42.
Variant type: Duplication.
Coding change: c.2037dup on transcript NM_144687.4 (MANE Select); coding-DNA position 2037, one base duplicated (G; older notation c.2037dupG).
Protein change: p.Cys680fs; shifts the reading frame from cysteine 680.
Molecular consequence: frameshift variant.
Genome position (GRCh38, 1-based): chr19:53,809,622, C duplicated on the plus strand (G on the coding strand, the reverse complement: NLRP12 is on the minus strand); the first of 2 consecutive C bases (chr19:53,809,622-53,809,623); duplicating either gives the same sequence. VCF-style (leftmost placement, unchanged base first): chr19-53809621-A-AC. GRCh37 (hg19) VCF-style: chr19-54312875-A-AC.
Other names: c.2037dup, p.Cys680fs (NM_001277126.2, NM_001277129.1); short protein forms C680fs.
Identifiers: ClinVar variation 2760152 (VCV002760152.3), dbSNP rs2514328652, ClinGen allele CA2697547253.

ClinVar aggregate classification (germline): Uncertain significance (1 of 4 stars; one submission).

Conditions:
Familial cold autoinflammatory syndrome 2 (FCAS2). Identifiers: Orphanet 247868, MedGen C2673198, MONDO:0012724, OMIM 611762.

Submission:

Labcorp Genetics (formerly Invitae), Labcorp
Classification: Uncertain significance for Familial cold autoinflammatory syndrome 2. Last evaluated: 2025-02-10. Review status: criteria provided, single submitter. Criteria: Invitae Variant Classification Sherloc (09022015). Collection method: clinical testing. Allele origin: germline.
Comment: This sequence change creates a premature translational stop signal (p.Cys680Valfs*24) in the NLRP12 gene. It is expected to result in an absent or disrupted protein product. However, the current clinical and genetic evidence is not sufficient to establish whether loss-of-function variants in NLRP12 cause disease. This variant is not present in population databases (gnomAD no frequency). This variant has not been reported in the literature in individuals affected with NLRP12-related conditions. ClinVar contains an entry for this variant (Variation ID: 2760152). In summary, the available evidence is currently insufficient to determine the role of this variant in disease. Therefore, it has been classified as a Variant of Uncertain Significance.